The following is an entry in ClinVar:

NM_015512.5(DNAH1):c.7074dup (p.Arg2359fs)

Gene: DNAH1 (dynein axonemal heavy chain 1; plus strand). Cytogenetic location: 3p21.1.
Variant type: Duplication.
Coding change: c.7074dup on transcript NM_015512.5 (MANE Select); coding-DNA position 7074, one base duplicated (G; older notation c.7074dupG).
Protein change: p.Arg2359fs; shifts the reading frame from arginine 2359.
Molecular consequence: frameshift variant.
Genome position (GRCh38, 1-based): chr3:52,375,328, G duplicated. VCF-style (leftmost placement, unchanged base first): chr3-52375327-T-TG. GRCh37 (hg19) VCF-style: chr3-52409343-T-TG.
Other names: c.7074dupG (NM_015512.4); short protein forms R2359fs.
Identifiers: ClinVar variation 478376 (VCV000478376.7), dbSNP rs762545991, ClinGen allele CA2434748.

ClinVar aggregate classification (germline): Pathogenic/Likely pathogenic. Review status: criteria provided, multiple submitters, no conflicts (2 of 4 stars). 2 submissions from 2 submitters: Pathogenic (1); Likely pathogenic (1). Last evaluated 2025-06-03.

Conditions:
Spermatogenic failure 18. Identifiers: MedGen C4539783, MONDO:0054615, OMIM 617576.
Ciliary dyskinesia, primary, 37 (CILD37). Also called: CILIARY DYSKINESIA, PRIMARY, 37, WITH OR WITHOUT SITUS INVERSUS. Identifiers: MedGen C4539798, MONDO:0033204, OMIM 617577.
DNAH1-related disorders.

Allele frequency attached by ClinVar (database versions not stated): gnomAD 0.00004; TOPMed 0.00004; gnomAD exomes 0.00006 and 0.00015; ExAC 0.00007.

Submissions (2):

Labcorp Genetics (formerly Invitae), Labcorp
Classification: Pathogenic for Ciliary dyskinesia, primary, 37; Spermatogenic failure 18. Last evaluated: 2025-06-03. Review status: criteria provided, single submitter. Criteria: Invitae Variant Classification Sherloc (09022015). Collection method: clinical testing. Allele origin: germline.
Comment: This sequence change creates a premature translational stop signal (p.Arg2359Alafs*10) in the DNAH1 gene. It is expected to result in an absent or disrupted protein product. Loss-of-function variants in DNAH1 are known to be pathogenic (PMID: 27573432, 27798045). This variant is present in population databases (rs762545991, gnomAD 0.01%). This variant has not been reported in the literature in individuals affected with DNAH1-related conditions. ClinVar contains an entry for this variant (Variation ID: 478376). For these reasons, this variant has been classified as Pathogenic.

Blueprint Genetics
Classification: Likely pathogenic for DNAH1-related disorders. Last evaluated: 2024-07-15. Review status: criteria provided, single submitter. Criteria: ACMG Guidelines, 2015. Collection method: clinical testing. Allele origin: germline. Affected: yes. Observed: 5 variant alleles.

Literature cited by the submitters: PubMed 27573432 (cited by Labcorp Genetics (formerly Invitae), Labcorp); PubMed 27798045 (cited by Labcorp Genetics (formerly Invitae), Labcorp).